The following is an entry in ClinVar:

NM_199420.4(POLQ):c.7022A>G (p.His2341Arg)

Gene: POLQ (DNA polymerase theta; minus strand). Cytogenetic location: 3q13.33.
Variant type: single nucleotide variant.
Coding change: c.7022A>G on transcript NM_199420.4 (MANE Select); coding-DNA position 7022, A replaced by G.
Protein change: p.His2341Arg; replaces histidine 2341 with arginine.
Molecular consequence: missense variant.
Genome position (GRCh38, 1-based): chr3:121,460,180, T>C on the plus strand (A>G on the coding strand, the complement: POLQ is on the minus strand). VCF-style: chr3-121460180-T-C. GRCh37 (hg19) VCF-style: chr3-121179027-T-C.
Other names: short protein forms H2341R.
Identifiers: ClinVar variation 2497163 (VCV002497163.2), dbSNP rs745359419, ClinGen allele CA81854540.

ClinVar aggregate classification (germline): Uncertain significance (1 of 4 stars; one submission).

Allele frequency attached by ClinVar (database versions not stated): TOPMed below 0.00001; gnomAD 0.00001.
gnomAD v4.1: 44 of 1,613,570 alleles (0.0027%); highest among the groups gnomAD compares: Non-Finnish European, 0.0037%; no homozygotes.

Submission:

Ambry Genetics
Classification: Uncertain significance. Last evaluated: 2023-02-02. Review status: criteria provided, single submitter. Criteria: Ambry Variant Classification Scheme 2023. Collection method: clinical testing. Allele origin: germline.
Comment: The p.H2341R variant (also known as c.7022A>G), located in coding exon 25 of the POLQ gene, results from an A to G substitution at nucleotide position 7022. The histidine at codon 2341 is replaced by arginine, an amino acid with highly similar properties. This amino acid position is conserved. In addition, this alteration is predicted to be deleterious by in silico analysis. Since supporting evidence is limited at this time, the clinical significance of this alteration remains unclear.